The following is an entry in ClinVar:

NM_032043.3(BRIP1):c.1924A>G (p.Lys642Glu)

Gene: BRIP1 (BRCA1 interacting DNA helicase 1; minus strand). Cytogenetic location: 17q23.2.
Variant type: single nucleotide variant.
Coding change: c.1924A>G on transcript NM_032043.3 (MANE Select); coding-DNA position 1924, A replaced by G.
Protein change: p.Lys642Glu; replaces lysine 642 with glutamic acid.
Molecular consequence: missense variant.
Genome position (GRCh38, 1-based): chr17:61,780,272, T>C on the plus strand (A>G on the coding strand, the complement: BRIP1 is on the minus strand). VCF-style: chr17-61780272-T-C. GRCh37 (hg19) VCF-style: chr17-59857633-T-C.
Other names: short protein forms K642E.
Identifiers: ClinVar variation 5033430 (VCV005033430.1).

ClinVar aggregate classification (germline): Uncertain significance (1 of 4 stars; one submission).

Conditions:
Hereditary cancer-predisposing syndrome. Also called: Neoplastic Syndromes, Hereditary; Tumor predisposition; Hereditary neoplastic syndrome; Hereditary Cancer Syndrome. Identifiers: Orphanet 140162, MedGen C0027672, MeSH D009386, MONDO:0015356.

gnomAD v4.1: 1 of 1,613,388 alleles (0.000062%); highest among the groups gnomAD compares: East Asian, 0.0022%; no homozygotes.

Submission:

Ambry Genetics
Classification: Uncertain significance for Hereditary cancer-predisposing syndrome. Last evaluated: 2026-07-18. Review status: criteria provided, single submitter. Criteria: Ambry Variant Classification Scheme 2023. Collection method: clinical testing. Allele origin: germline.
Comment: The p.K642E variant (also known as c.1924A>G), located in coding exon 12 of the BRIP1 gene, results from an A to G substitution at nucleotide position 1924. The lysine at codon 642 is replaced by glutamic acid, an amino acid with similar properties. This amino acid position is conserved. In addition, this alteration is predicted to be tolerated by in silico analysis. Based on the available evidence, the clinical significance of this variant remains unclear.